The following is an entry in ClinVar:

NM_001127208.3(TET2):c.1559G>C (p.Gly520Ala)

Genes: TET2 (tet methylcytosine dioxygenase 2; plus strand), TET2-AS1 (TET2 antisense RNA 1; minus strand). Cytogenetic location: 4q24.
Variant type: single nucleotide variant.
Coding change: c.1559G>C on transcript NM_001127208.3 (MANE Select); coding-DNA position 1559, G replaced by C.
Protein change: p.Gly520Ala; replaces glycine 520 with alanine.
Molecular consequence: missense variant.
Genome position (GRCh38, 1-based): chr4:105,235,501, G>C. VCF-style: chr4-105235501-G-C. GRCh37 (hg19) VCF-style: chr4-106156658-G-C.
Other names: c.1559G>C, p.Gly520Ala (NM_017628.4); short protein forms G520A.
Identifiers: ClinVar variation 3967464 (VCV003967464.1).

ClinVar aggregate classification (germline): Uncertain significance (1 of 4 stars; one submission).

Submission:

Ambry Genetics
Classification: Uncertain significance. Last evaluated: 2025-03-15. Review status: criteria provided, single submitter. Criteria: Ambry Variant Classification Scheme 2023. Collection method: clinical testing. Allele origin: germline.
Comment: The p.G520A variant (also known as c.1559G>C), located in coding exon 1 of the TET2 gene, results from a G to C substitution at nucleotide position 1559. The glycine at codon 520 is replaced by alanine, an amino acid with similar properties. This amino acid position is conserved. In addition, this alteration is predicted to be tolerated by in silico analysis. Based on the available evidence, the clinical significance of this variant remains unclear.